The following is an entry in ClinVar:

NM_020338.4(ZMIZ1):c.1792C>T (p.Gln598Ter)

Gene: ZMIZ1 (zinc finger MIZ-type containing 1; plus strand). Cytogenetic location: 10q22.3.
Variant type: single nucleotide variant.
Coding change: c.1792C>T on transcript NM_020338.4 (MANE Select); coding-DNA position 1792, C replaced by T.
Protein change: p.Gln598Ter; replaces glutamine 598 with a stop codon.
Molecular consequence: nonsense.
Genome position (GRCh38, 1-based): chr10:79,299,175, C>T. VCF-style: chr10-79299175-C-T. GRCh37 (hg19) VCF-style: chr10-81058932-C-T.
Other names: short protein forms Q598*.
Identifiers: ClinVar variation 3254944 (VCV003254944.1), dbSNP rs2492126530.

ClinVar aggregate classification (germline): Pathogenic (1 of 4 stars; one submission).

Conditions:
Neurodevelopmental disorder with dysmorphic facies and distal skeletal anomalies. Identifiers: MedGen C5231448, MONDO:0032855, OMIM 618659.

Submission:

Victorian Clinical Genetics Services, Murdoch Childrens Research Institute
Classification: Pathogenic for Neurodevelopmental disorder with dysmorphic facies and distal skeletal anomalies. Last evaluated: 2023-07-17. Review status: criteria provided, single submitter. Criteria: ACMG Guidelines, 2015. Collection method: clinical testing. Allele origin: germline. Inheritance: Autosomal dominant inheritance. Affected: yes.
Comment: Based on the classification scheme VCGS_Germline_v1.3.4, this variant is classified as Pathogenic. Following criteria are met: 0102 - Loss of function is a known mechanism of disease in this gene and is associated with neurodevelopmental disorder with dysmorphic facies and distal skeletal anomalies (MIM#618659). (I) 0107 - This gene is associated with autosomal dominant disease. (I) 0201 - Variant is predicted to cause nonsense-mediated decay (NMD) and loss of protein (premature termination codon is located at least 54 nucleotides upstream of the final exon-exon junction). (SP) 0251 - This variant is heterozygous. (I) 0301 - Variant is absent from gnomAD (both v2 and v3). (SP) 0701 - Other NMD predicted variants comparable to the one identified in this case have very strong previous evidence for pathogenicity (DECIPHER). (SP) 0807 - This variant has no previous evidence of pathogenicity. (I) 0905 - No published segregation evidence has been identified for this variant. (I) 1007 - No published functional evidence has been identified for this variant. (SP) Legend: (SP) - Supporting pathogenic, (I) - Information, (SB) - Supporting benign